The following is an entry in ClinVar:

ClinVar aggregate classification (germline): Uncertain significance (1 of 4 stars; one submission).

Conditions:
ERCC6L2-related disorder. Also called: ERCC6L2-related condition.

gnomAD v4.1: 23 of 1,588,228 alleles (0.0014%); highest among the groups gnomAD compares: Middle Eastern, 0.017%; no homozygotes.

Submission:

PreventionGenetics, part of Exact Sciences
Classification: Uncertain significance for ERCC6L2-related condition. Last evaluated: 2025-09-30. Review status: criteria provided, single submitter. Criteria: ACMG Guidelines, 2015. Collection method: clinical testing. Allele origin: germline.
Comment: The ERCC6L2 c.25C>T variant is predicted to result in the amino acid substitution p.Pro9Ser. To our knowledge, this variant has not been reported in the literature. This variant is reported in 0.025% of alleles in individuals of African descent in gnomAD. At this time, the clinical significance of this variant is uncertain due to the absence of conclusive functional and genetic evidence.

NM_020207.7(ERCC6L2):c.-9C>T

Gene: ERCC6L2 (ERCC excision repair 6 like 2; plus strand). Cytogenetic location: 9q22.32.
Variant type: single nucleotide variant.
Coding change: c.-9C>T on transcript NM_020207.7 (MANE Select); 9 bases upstream of the start codon, C replaced by T.
Molecular consequence: 5 prime UTR variant. On other transcripts: non-coding transcript variant (1).
Genome position (GRCh38, 1-based): chr9:95,876,030, C>T. VCF-style: chr9-95876030-C-T. GRCh37 (hg19) VCF-style: chr9-98638312-C-T.
Other names: c.-9C>T (NM_001010895.4, NM_001375291.1, NM_001375292.1 and 2 more transcripts).
Identifiers: ClinVar variation 4981414 (VCV004981414.1).